The following is an entry in ClinVar:

NM_002500.5(NEUROD1):c.1019C>T (p.Ser340Leu)

Gene: NEUROD1 (neuronal differentiation 1; minus strand). Cytogenetic location: 2q31.3.
Variant type: single nucleotide variant.
Coding change: c.1019C>T on transcript NM_002500.5 (MANE Select); coding-DNA position 1019, C replaced by T.
Protein change: p.Ser340Leu; replaces serine 340 with leucine.
Molecular consequence: missense variant.
Genome position (GRCh38, 1-based): chr2:181,677,842, G>A on the plus strand (C>T on the coding strand, the complement: NEUROD1 is on the minus strand). VCF-style: chr2-181677842-G-A. GRCh37 (hg19) VCF-style: chr2-182542569-G-A.
Other names: short protein forms S340L.
Identifiers: ClinVar variation 3585101 (VCV003585101.3).

ClinVar aggregate classification (germline): Uncertain significance. Review status: criteria provided, multiple submitters, no conflicts (2 of 4 stars). 2 submissions from 2 submitters: Uncertain significance (2). Last evaluated 2024-11-22.

Conditions:
Type 2 diabetes mellitus. Also called: Type II diabetes mellitus. Identifiers: MedGen C0011860, MeSH D003924, MONDO:0005148, OMIM 125853, HP:0005978.
Maturity-onset diabetes of the young type 6 (MODY6). Identifiers: Orphanet 552, MedGen C1853371, MONDO:0011668, OMIM 606394.

Submissions (2):

Labcorp Genetics (formerly Invitae), Labcorp
Classification: Uncertain significance. Last evaluated: 2024-11-22. Review status: criteria provided, single submitter. Criteria: Invitae Variant Classification Sherloc (09022015). Collection method: clinical testing. Allele origin: germline.
Comment: This sequence change replaces serine, which is neutral and polar, with leucine, which is neutral and non-polar, at codon 340 of the NEUROD1 protein (p.Ser340Leu). This variant is not present in population databases (gnomAD no frequency). This variant has not been reported in the literature in individuals affected with NEUROD1-related conditions. Invitae Evidence Modeling of protein sequence and biophysical properties (such as structural, functional, and spatial information, amino acid conservation, physicochemical variation, residue mobility, and thermodynamic stability) indicates that this missense variant is not expected to disrupt NEUROD1 protein function with a negative predictive value of 80%. In summary, the available evidence is currently insufficient to determine the role of this variant in disease. Therefore, it has been classified as a Variant of Uncertain Significance.

Fulgent Genetics
Classification: Uncertain significance for Type 2 diabetes mellitus; Maturity-onset diabetes of the young type 6. Last evaluated: 2024-03-20. Review status: criteria provided, single submitter. Criteria: ACMG Guidelines, 2015. Collection method: clinical testing. Allele origin: germline.